The following is an entry in ClinVar:

NM_000195.5(HPS1):c.118-105_133del

Gene: HPS1 (HPS1 biogenesis of lysosomal organelles complex 3 subunit 1; minus strand). Cytogenetic location: 10q24.2.
Variant type: Deletion.
Coding change: c.118-105_133del on transcript NM_000195.5 (MANE Select); 105 bases into the intron before coding-DNA position 118 through coding-DNA position 133, 121 bases deleted.
Molecular consequence: splice acceptor variant.
Genome position (GRCh38, 1-based): chr10:98,435,757-98,435,877, 121 bases deleted. GRCh37 (hg19): chr10:100,195,519-100,195,639.
Other names: c.-109-105_-94del (NM_001322483.2, NM_001322485.2, NM_001322484.2); c.118-105_133del (NM_001322480.2, NM_001322478.2, NM_001322476.2 and 8 more transcripts); c.-656-105_-641del (NM_001322489.2); c.-799-105_-784del (NM_001311345.2); c.-898-105_-883del (NM_001322487.2).
Identifiers: ClinVar variation 4069428 (VCV004069428.2).

ClinVar aggregate classification (germline): Likely pathogenic (1 of 4 stars; one submission).

Conditions:
Hermansky-Pudlak syndrome (HPS). Also called: ALBINISM WITH HEMORRHAGIC DIATHESIS AND PIGMENTED RETICULOENDOTHELIAL CELLS. Identifiers: Orphanet 79430, MedGen C0079504, MONDO:0019312.

Submission:

Natera, Inc.
Classification: Likely pathogenic for Hermansky-Pudlak syndrome. Last evaluated: 2025-03-08. Review status: criteria provided, single submitter. Criteria: Natera Variant Classification Schema (03/2026). Collection method: clinical testing. Allele origin: germline.
Comment: The c.118-105_133del variant in HPS1 is a deletion affecting a canonical splice acceptor site. This variant may result in a truncated or dysfunctional protein product. This variant is rare in the general population with a frequency below the threshold expected for the associated phenotype(s). This variant has been observed in one or more individuals affected with the associated recessive disease, as either homozygous or compound heterozygous with a second variant (PMID: 26575419). Additionally, this variant has been observed to segregate in affected family members (PMID: 26575419). Given the available evidence, this variant is classified as Likely Pathogenic.

Literature cited by the submitters: PubMed 26575419.